The following is an entry in ClinVar:

ClinVar aggregate classification (germline): Uncertain significance (1 of 4 stars; one submission).

Conditions:
Cardiovascular phenotype. Identifiers: MedGen CN230736.

Submission:

Ambry Genetics
Classification: Uncertain significance for Cardiovascular phenotype. Last evaluated: 2026-02-15. Review status: criteria provided, single submitter. Criteria: Ambry Variant Classification Scheme 2023. Collection method: clinical testing. Allele origin: germline.
Comment: The p.Q462H variant (also known as c.1386G>C), located in coding exon 11 of the ENG gene, results from a G to C substitution at nucleotide position 1386. The glutamine at codon 462 is replaced by histidine, an amino acid with highly similar properties. This amino acid position is conserved. In addition, the in silico prediction for this alteration is inconclusive. Based on the available evidence, the clinical significance of this variant remains unclear.

NM_001114753.3(ENG):c.1386G>C (p.Gln462His)

Genes: ENG (endoglin; minus strand), LOC102723566 (uncharacterized LOC102723566; plus strand). Cytogenetic location: 9q34.11.
Variant type: single nucleotide variant.
Coding change: c.1386G>C on transcript NM_001114753.3 (MANE Select); coding-DNA position 1386, G replaced by C.
Protein change: p.Gln462His; replaces glutamine 462 with histidine.
Molecular consequence: missense variant.
Genome position (GRCh38, 1-based): chr9:127,818,758, C>G on the plus strand (G>C on the coding strand, the complement: ENG is on the minus strand). VCF-style: chr9-127818758-C-G. GRCh37 (hg19) VCF-style: chr9-130581037-C-G.
Other names: c.1386G>C, p.Gln462His (NM_000118.4); c.840G>C, p.Gln280His (NM_001278138.2); short protein forms Q280H, Q462H.
Identifiers: ClinVar variation 4824984 (VCV004824984.1).
Genomic context (GRCh38, chr9:127,818,758, plus strand): 5'-GACAGGCATGCCAGGTACCTGCACAAAGCTCTGCTGCCCCGGCTCGATGGTGTTGGAGGC[C>G]TGGAGGAAGTGTGGGCTGAGGTAGAGGCCCAGCTGGAAAGAGAGGCTGTCCATGTTGAGG-3'
Protein context (NP_001108225.1, residues 452-472): LGLYLSPHFL[Gln462His]ASNTIEPGQQ